The following is an entry in ClinVar:

ClinVar aggregate classification (germline): Likely benign (1 of 4 stars; one submission).

gnomAD v4.1: 145 of 1,613,722 alleles (0.009%); highest among the groups gnomAD compares: Non-Finnish European, 0.011%; no homozygotes.

Submission:

CeGaT Center for Human Genetics Tuebingen
Classification: Likely benign. Last evaluated: 2025-11-01. Review status: criteria provided, single submitter. Criteria: CeGaT Center For Human Genetics Tuebingen Variant Classification Criteria Version 2. Collection method: clinical testing. Allele origin: germline. Affected: yes. Observed: 3 variant alleles.
Comment: SHANK2: BP4, BP7

NM_012309.5(SHANK2):c.4128C>G (p.Val1376=)

Gene: SHANK2 (SH3 and multiple ankyrin repeat domains 2; minus strand). Cytogenetic location: 11q13.3.
Variant type: single nucleotide variant.
Coding change: c.4128C>G on transcript NM_012309.5 (MANE Select); coding-DNA position 4128, C replaced by G.
Protein change: p.Val1376=; no amino-acid change (valine 1376 retained).
Molecular consequence: synonymous variant.
Genome position (GRCh38, 1-based): chr11:70,486,165, G>C on the plus strand (C>G on the coding strand, the complement: SHANK2 is on the minus strand). VCF-style: chr11-70486165-G-C. GRCh37 (hg19) VCF-style: chr11-70332270-G-C.
Other names: c.2991C>G, p.Val997= (NM_001379226.1); c.2364C>G, p.Val788= (NM_133266.5).
Identifiers: ClinVar variation 3388320 (VCV003388320.14).